The following is an entry in ClinVar:

NM_052947.4(ALPK2):c.2062A>G (p.Thr688Ala)

Gene: ALPK2 (alpha kinase 2; minus strand). Cytogenetic location: 18q21.31.
Variant type: single nucleotide variant.
Coding change: c.2062A>G on transcript NM_052947.4 (MANE Select); coding-DNA position 2062, A replaced by G.
Protein change: p.Thr688Ala; replaces threonine 688 with alanine.
Molecular consequence: missense variant.
Genome position (GRCh38, 1-based): chr18:58,538,125, T>C on the plus strand (A>G on the coding strand, the complement: ALPK2 is on the minus strand). VCF-style: chr18-58538125-T-C. GRCh37 (hg19) VCF-style: chr18-56205357-T-C.
Other names: short protein forms T688A.
Identifiers: ClinVar variation 1785246 (VCV001785246.2), dbSNP rs2518878153, ClinGen allele CA402571791.
Genomic context (GRCh38, chr18:58,538,125, plus strand): 5'-AGTGTTGAGCTAATGATGCATTTTCCTTGTGGACCCCTCCTAAGTTTGAGAAGGAAATTG[T>C]TGTGGTCCCAGTGAATGGGGACTCCTCCCCAGCAGGCTCTGAGAAAGCTGGCATCTGGCT-3'
Protein context (NP_443179.3, residues 678-698): GEESPFTGTT[Thr688Ala]ISFSNLGGVH

ClinVar aggregate classification (germline): Uncertain significance (1 of 4 stars; one submission).

Allele frequency attached by ClinVar (database versions not stated): gnomAD exomes below 0.00001.
gnomAD v4.1: 1 of 1,614,152 alleles (0.000062%); highest among the groups gnomAD compares: Non-Finnish European, 0.000085%; no homozygotes.

Submission:

Ambry Genetics
Classification: Uncertain significance. Last evaluated: 2021-10-07. Review status: criteria provided, single submitter. Criteria: Ambry Variant Classification Scheme 2023. Collection method: clinical testing. Allele origin: germline.
Comment: The p.T688A variant (also known as c.2062A>G), located in coding exon 4 of the ALPK2 gene, results from an A to G substitution at nucleotide position 2062. The threonine at codon 688 is replaced by alanine, an amino acid with similar properties. This amino acid position is conserved. In addition, this alteration is predicted to be tolerated by in silico analysis. Since supporting evidence is limited at this time, the clinical significance of this alteration remains unclear.